The following is an entry in ClinVar:

NM_007294.4(BRCA1):c.5038A>T (p.Ile1680Phe)

Gene: BRCA1 (BRCA1 DNA repair associated; minus strand). Cytogenetic location: 17q21.31.
Variant type: single nucleotide variant.
Coding change: c.5038A>T on transcript NM_007294.4 (MANE Select); coding-DNA position 5038, A replaced by T.
Protein change: p.Ile1680Phe; replaces isoleucine 1680 with phenylalanine.
Molecular consequence: missense variant. On other transcripts: non-coding transcript variant (1).
Genome position (GRCh38, 1-based): chr17:43,067,644, T>A on the plus strand (A>T on the coding strand, the complement: BRCA1 is on the minus strand). VCF-style: chr17-43067644-T-A. GRCh37 (hg19) VCF-style: chr17-41219661-T-A.
Other names: c.4825A>T, p.Ile1609Phe (NM_001407571.1, NM_001407898.1, NM_001407899.1 and 12 more transcripts); c.5104A>T, p.Ile1702Phe (NM_001407581.1, NM_001407582.1); c.5101A>T, p.Ile1701Phe (NM_001407583.1, NM_001407585.1, NM_001407587.1 and 1 more transcripts); c.5098A>T, p.Ile1700Phe (NM_001407590.1, NM_001407591.1); c.5038A>T, p.Ile1680Phe (NM_001407593.1, NM_001407594.1, NM_001407596.1 and 8 more transcripts); c.5035A>T, p.Ile1679Phe (NM_001407610.1, NM_001407611.1, NM_001407612.1 and 17 more transcripts); c.5032A>T, p.Ile1678Phe (NM_001407627.1, NM_001407628.1, NM_001407629.1 and 14 more transcripts); c.5023A>T, p.Ile1675Phe (NM_001407647.1); and 70 more; short protein forms I1680F, I1633F, I1701F, I576F, I1511F, I1551F, I1552F, I1568F.
Identifiers: ClinVar variation 868552 (VCV000868552.3), dbSNP rs2052170937, ClinGen allele CA10591440.

Conditions:
Breast-ovarian cancer, familial, susceptibility to, 1 (BROVCA1). Also called: BRCA1 Hereditary Breast and Ovarian Cancer; OVARIAN CANCER, SUSCEPTIBILITY TO. Identifiers: Orphanet 145, MedGen C2676676, MONDO:0011450, OMIM 604370. Disease mechanism: loss of function.

Submission:

Brotman Baty Institute, University of Washington
No classification provided (evidence only). Condition: Breast-ovarian cancer, familial 1. Review status: no classification provided. Collection method: in vitro. Allele origin: not applicable. Functional consequence: functionally_normal.
ClinVar note: "not provided" was previously submitted as the classification for the variant. However, the classification appeared to be based only on an observation of functional data so it was converted to no classification on 2025-07-30.